The following is an entry in ClinVar:

NM_182914.3(SYNE2):c.671G>A (p.Arg224Gln)

Gene: SYNE2 (spectrin repeat containing nuclear envelope protein 2; plus strand). Cytogenetic location: 14q23.2.
Variant type: single nucleotide variant.
Coding change: c.671G>A on transcript NM_182914.3 (MANE Select); coding-DNA position 671, G replaced by A.
Protein change: p.Arg224Gln; replaces arginine 224 with glutamine.
Molecular consequence: missense variant.
Genome position (GRCh38, 1-based): chr14:63,954,799, G>A. VCF-style: chr14-63954799-G-A. GRCh37 (hg19) VCF-style: chr14-64421517-G-A.
Other names: c.671G>A, p.Arg224Gln (NM_015180.6); short protein forms R224Q.
Identifiers: ClinVar variation 580277 (VCV000580277.7), dbSNP rs764128650, ClinGen allele CA7219182.

ClinVar aggregate classification (germline): Uncertain significance. Review status: criteria provided, multiple submitters, no conflicts (2 of 4 stars). 2 submissions from 2 submitters: Uncertain significance (2). Last evaluated 2022-11-08.

Conditions:
Emery-Dreifuss muscular dystrophy 5, autosomal dominant (EDMD5). Also called: EMERY-DREIFUSS MUSCULAR DYSTROPHY 5. Identifiers: Orphanet 261, MedGen C2751805, MONDO:0013072, OMIM 612999.

Allele frequency attached by ClinVar (database versions not stated): TOPMed below 0.00001; ExAC 0.00001.
gnomAD v4.1: 4 of 1,613,932 alleles (0.00025%); highest among the groups gnomAD compares: Admixed American, 0.0017%; no homozygotes.

Submissions (2):

Labcorp Genetics (formerly Invitae), Labcorp
Classification: Uncertain significance for Emery-Dreifuss muscular dystrophy 5, autosomal dominant. Last evaluated: 2022-11-08. Review status: criteria provided, single submitter. Criteria: Invitae Variant Classification Sherloc (09022015). Collection method: clinical testing. Allele origin: germline.
Comment: In summary, the available evidence is currently insufficient to determine the role of this variant in disease. Therefore, it has been classified as a Variant of Uncertain Significance. Algorithms developed to predict the effect of missense changes on protein structure and function are either unavailable or do not agree on the potential impact of this missense change (SIFT: "Deleterious"; PolyPhen-2: "Probably Damaging"; Align-GVGD: "Class C0"). ClinVar contains an entry for this variant (Variation ID: 580277). This variant has not been reported in the literature in individuals affected with SYNE2-related conditions. This variant is present in population databases (rs764128650, gnomAD 0.006%). This sequence change replaces arginine, which is basic and polar, with glutamine, which is neutral and polar, at codon 224 of the SYNE2 protein (p.Arg224Gln).

Ambry Genetics
Classification: Uncertain significance. Last evaluated: 2021-06-18. Review status: criteria provided, single submitter. Criteria: Ambry Variant Classification Scheme 2023. Collection method: clinical testing. Allele origin: germline.